The following is an entry in ClinVar:

NM_203408.4(FAM47A):c.980C>G (p.Pro327Arg)

Gene: FAM47A (family with sequence similarity 47 member A; minus strand). Cytogenetic location: Xp21.1.
Variant type: single nucleotide variant.
Coding change: c.980C>G on transcript NM_203408.4 (MANE Select); coding-DNA position 980, C replaced by G.
Protein change: p.Pro327Arg; replaces proline 327 with arginine.
Molecular consequence: missense variant.
Genome position (GRCh38, 1-based): chrX:34,131,299, G>C on the plus strand (C>G on the coding strand, the complement: FAM47A is on the minus strand). VCF-style: chrX-34131299-G-C. GRCh37 (hg19) VCF-style: chrX-34149416-G-C.
Other names: short protein forms P327R.
Identifiers: ClinVar variation 3034113 (VCV003034113.2), dbSNP rs200047366, ClinGen allele CA10380566.

ClinVar aggregate classification (germline): Benign (0 of 4 stars; one submission).

Conditions:
FAM47A-related disorder. Also called: FAM47A-related condition.

Allele frequency attached by ClinVar (database versions not stated): ExAC 0.00069; ESP Exome Variant Server 0.00171; 1000 Genomes Project 0.00238; 1000 Genomes Project 30x 0.00271.

Submission:

PreventionGenetics, part of Exact Sciences
Classification: Benign for FAM47A-related condition. Last evaluated: 2019-09-18. Review status: no assertion criteria provided. Collection method: clinical testing. Allele origin: germline.
Comment: This variant is classified as benign based on ACMG/AMP sequence variant interpretation guidelines (Richards et al. 2015 PMID: 25741868, with internal and published modifications).